The following is an entry in ClinVar:

ClinVar aggregate classification (germline): Benign/Likely benign. Review status: criteria provided, multiple submitters, no conflicts (2 of 4 stars). 2 submissions from 2 submitters: Benign (1); Likely benign (1). Last evaluated 2026-06-24.

Conditions:
Retinoblastoma (RB1). Also called: RETINOBLASTOMA, SOMATIC. Identifiers: Orphanet 790, MedGen C0035335, MeSH D012175, MONDO:0008380, OMIM 180200, HP:0009919. Disease mechanism: loss of function. Inheritance: Both sporadic and heritable forms are tested..

Allele frequency attached by ClinVar (database versions not stated): ExAC 0.00002; gnomAD exomes below 0.00001; ESP Exome Variant Server 0.00015.
gnomAD v4.1: 4 of 1,602,094 alleles (0.00025%); highest among the groups gnomAD compares: East Asian, 0.009%; no homozygotes.

Submissions (2):

Myriad Genetics, Inc.
Classification: Benign for Retinoblastoma. Last evaluated: 2026-06-24. Review status: criteria provided, single submitter. Criteria: Myriad Autosomal Dominant, Autosomal Recessive and X-Linked Classification Criteria (2023). Collection method: clinical testing. Allele origin: unknown.
Comment: This variant is considered benign. This variant is a silent/synonymous amino acid change and it is not expected to impact splicing.

Labcorp Genetics (formerly Invitae), Labcorp
Classification: Likely benign for Retinoblastoma. Last evaluated: 2025-10-22. Review status: criteria provided, single submitter. Criteria: Invitae Variant Classification Sherloc (09022015). Collection method: clinical testing. Allele origin: germline.

NM_000321.3(RB1):c.1449T>C (p.His483=)

Gene: RB1 (RB transcriptional corepressor 1; plus strand). Cytogenetic location: 13q14.2.
Variant type: single nucleotide variant.
Coding change: c.1449T>C on transcript NM_000321.3 (MANE Select); coding-DNA position 1449, T replaced by C.
Protein change: p.His483=; no amino-acid change (histidine 483 retained).
Molecular consequence: synonymous variant.
Genome position (GRCh38, 1-based): chr13:48,380,192, T>C. VCF-style: chr13-48380192-T-C. GRCh37 (hg19) VCF-style: chr13-48954328-T-C.
Other names: c.1449T>C, p.His483= (NM_001407165.1, NM_001407166.1).
Identifiers: ClinVar variation 2158920 (VCV002158920.5), dbSNP rs367661403, ClinGen allele CA028823.